The following is an entry in ClinVar:

NM_012062.5(DNM1L):c.666G>C (p.Ala222=)

Gene: DNM1L (dynamin 1 like; plus strand). Cytogenetic location: 12p11.21.
Variant type: single nucleotide variant.
Coding change: c.666G>C on transcript NM_012062.5 (MANE Select); coding-DNA position 666, G replaced by C.
Protein change: p.Ala222=; no amino-acid change (alanine 222 retained).
Molecular consequence: synonymous variant. On other transcripts: intron variant (1).
Genome position (GRCh38, 1-based): chr12:32,718,689, G>C. VCF-style: chr12-32718689-G-C. GRCh37 (hg19) VCF-style: chr12-32871623-G-C.
Other names: c.666G>C, p.Ala222= (NM_001278463.2, NM_005690.5, NM_012063.4); c.705G>C, p.Ala235= (NM_001278464.2, NM_001278465.2, NM_001330380.2); c.132-1975G>C (NM_001278466.2).
Identifiers: ClinVar variation 381825 (VCV000381825.1), dbSNP rs1057521182, ClinGen allele CA16606258.

ClinVar aggregate classification (germline): Likely benign (1 of 4 stars; one submission).

Submission:

GeneDx
Classification: Likely benign. Last evaluated: 2015-12-17. Review status: criteria provided, single submitter. Criteria: GeneDx Variant Classification (06012015). Collection method: clinical testing. Allele origin: germline. Affected: yes.
Comment: This variant is considered likely benign or benign based on one or more of the following criteria: it is a conservative change, it occurs at a poorly conserved position in the protein, it is predicted to be benign by multiple in silico algorithms, and/or has population frequency not consistent with disease.